The following is an entry in ClinVar:

NM_000051.4(ATM):c.915A>C (p.Ser305=)

Gene: ATM (ATM serine/threonine kinase; plus strand). Cytogenetic location: 11q22.3.
Variant type: single nucleotide variant.
Coding change: c.915A>C on transcript NM_000051.4 (MANE Select); coding-DNA position 915, A replaced by C.
Protein change: p.Ser305=; no amino-acid change (serine 305 retained).
Molecular consequence: synonymous variant.
Genome position (GRCh38, 1-based): chr11:108,246,977, A>C. VCF-style: chr11-108246977-A-C. GRCh37 (hg19) VCF-style: chr11-108117704-A-C.
Other names: c.915A>C, p.Ser305= (NM_001351834.2).
Identifiers: ClinVar variation 2834714 (VCV002834714.4), dbSNP rs2497178621, ClinGen allele CA476671500.
Genomic context (GRCh38, chr11:108,246,977, plus strand): 5'-AACAGAGTACATACATAAAAATTACATTTTAATTTTTTGGATTACAGGTGCTTATGAATC[A>C]ACAAAATGGAGAAGTATTTTATACAACTTATATGATCTGCTAGTGAATGAGATAAGTCAT-3'
Protein context (NP_000042.3, residues 295-315): AKTQEKGAYE[Ser305=]TKWRSILYNL

ClinVar aggregate classification (germline): Benign/Likely benign. Review status: criteria provided, multiple submitters, no conflicts (2 of 4 stars). 2 submissions from 2 submitters: Benign (1); Likely benign (1). Last evaluated 2024-04-24.

Conditions:
Familial cancer of breast. Also called: BREAST CANCER, FAMILIAL; Hereditary breast cancer; hereditary breast carcinoma. Identifiers: Orphanet 227535, MedGen C0346153, MONDO:0016419, OMIM 114480. Disease mechanism: loss of function.
Ataxia-telangiectasia syndrome (AT). Also called: LOUIS-BAR SYNDROME; Ataxia-telangiectasia, complementation group D; ATAXIA-TELANGIECTASIA, COMPLEMENTATION GROUP A; ATAXIA-TELANGIECTASIA, FRESNO VARIANT; Ataxia-telangiectasia; Ataxia telangiectasia (A-T). Identifiers: Orphanet 100, MedGen C0004135, MONDO:0008840, OMIM 208900.

Submissions (2):

Myriad Genetics, Inc.
Classification: Benign for Familial cancer of breast. Last evaluated: 2024-04-24. Review status: criteria provided, single submitter. Criteria: Myriad Autosomal Dominant, Autosomal Recessive and X-Linked Classification Criteria (2023). Collection method: clinical testing. Allele origin: unknown.
Comment: This variant is considered benign. This variant is a silent/synonymous amino acid change and it is not expected to impact splicing.

Labcorp Genetics (formerly Invitae), Labcorp
Classification: Likely benign for Ataxia-telangiectasia syndrome. Last evaluated: 2023-12-02. Review status: criteria provided, single submitter. Criteria: Invitae Variant Classification Sherloc (09022015). Collection method: clinical testing. Allele origin: germline.